The following is an entry in ClinVar:

NM_003060.4(SLC22A5):c.583A>G (p.Met195Val)

Gene: SLC22A5 (solute carrier family 22 member 5; plus strand). Cytogenetic location: 5q31.1.
Variant type: single nucleotide variant.
Coding change: c.583A>G on transcript NM_003060.4 (MANE Select); coding-DNA position 583, A replaced by G.
Protein change: p.Met195Val; replaces methionine 195 with valine.
Molecular consequence: missense variant.
Genome position (GRCh38, 1-based): chr5:132,384,232, A>G. VCF-style: chr5-132384232-A-G. GRCh37 (hg19) VCF-style: chr5-131719924-A-G.
Other names: c.655A>G, p.Met219Val (NM_001308122.2); short protein forms M195V, M219V.
Identifiers: ClinVar variation 650327 (VCV000650327.4), dbSNP rs1194966941, ClinGen allele CA360804782.

ClinVar aggregate classification (germline): Uncertain significance (1 of 4 stars; one submission).

Conditions:
Renal carnitine transport defect (CDSP). Also called: Carnitine transporter deficiency; Carnitine Deficiency, Systemic; Systemic primary carnitine deficiency; CARNITINE DEFICIENCY, SYSTEMIC, DUE TO DEFECT IN RENAL REABSORPTION OF CARNITINE; CARNITINE TRANSPORTER, PLASMA-MEMBRANE, DEFICIENCY OF; CARNITINE UPTAKE DEFECT. Identifiers: Orphanet 158, MedGen C0342788, MONDO:0008919, OMIM 212140.

Allele frequency attached by ClinVar (database versions not stated): gnomAD exomes below 0.00001; TOPMed below 0.00001; gnomAD 0.00001.

Submission:

Labcorp Genetics (formerly Invitae), Labcorp
Classification: Uncertain significance for Renal carnitine transport defect. Last evaluated: 2023-12-11. Review status: criteria provided, single submitter. Criteria: Invitae Variant Classification Sherloc (09022015). Collection method: clinical testing. Allele origin: germline.
Comment: This sequence change replaces methionine, which is neutral and non-polar, with valine, which is neutral and non-polar, at codon 195 of the SLC22A5 protein (p.Met195Val). This variant is not present in population databases (gnomAD no frequency). This variant has not been reported in the literature in individuals affected with SLC22A5-related conditions. ClinVar contains an entry for this variant (Variation ID: 650327). Advanced modeling of protein sequence and biophysical properties (such as structural, functional, and spatial information, amino acid conservation, physicochemical variation, residue mobility, and thermodynamic stability) has been performed at Invitae for this missense variant, however the output from this modeling did not meet the statistical confidence thresholds required to predict the impact of this variant on SLC22A5 protein function. Algorithms developed to predict the effect of sequence changes on RNA splicing suggest that this variant may create or strengthen a splice site. In summary, the available evidence is currently insufficient to determine the role of this variant in disease. Therefore, it has been classified as a Variant of Uncertain Significance.